The following is an entry in ClinVar:

ClinVar aggregate classification (germline): Likely pathogenic. Review status: criteria provided, multiple submitters, no conflicts (2 of 4 stars). 3 submissions from 3 submitters: Likely pathogenic (2). 1 of the submissions does not count toward it. Last evaluated 2024-03-26.

Conditions:
von Willebrand disease type 1 (VWD1). Also called: VWD, TYPE 1; VON WILLEBRAND DISEASE, TYPE I. Identifiers: Orphanet 166078, Orphanet 903, MedGen C1264039, MONDO:0008668, OMIM 193400. Inheritance: autosomal recessive or autosomal dominant.

Allele frequency attached by ClinVar (database versions not stated): gnomAD exomes below 0.00001; TOPMed 0.00001; ESP Exome Variant Server 0.00008.
gnomAD v4.1: 4 of 1,612,378 alleles (0.00025%); highest among the groups gnomAD compares: African/African-American, 0.0013%; no homozygotes.

Submissions (3):

Genomic Medicine Center of Excellence, King Faisal Specialist Hospital and Research Centre
Classification: Likely pathogenic for von Willebrand disease type 1. Last evaluated: 2024-03-26. Review status: criteria provided, single submitter. Criteria: ACMG Guidelines, 2015. Collection method: clinical testing. Allele origin: germline.

GeneDx
Classification: Likely pathogenic. Last evaluated: 2019-10-02. Review status: criteria provided, single submitter. Criteria: GeneDx Variant Classification Process June 2021. Collection method: clinical testing. Allele origin: germline. Affected: yes.
Comment: Published functional studies demonstrate impaired E1078K mutant protein affinity activity with FVIII (Hilbert et al., 2004); Not observed in large population cohorts (Lek et al., 2016); In silico analysis, which includes protein predictors and evolutionary conservation, supports that this variant does not alter protein structure/function; This variant is associated with the following publications: (PMID: 15613050, 30642920, 15213838, 24385719)

Academic Unit of Haematology, University of Sheffield
No classification provided. Review status: no classification provided. Collection method: not provided. Allele origin: not provided. Not counted in ClinVar's aggregate classification.

NM_000552.5(VWF):c.3232G>A (p.Glu1078Lys)

Gene: VWF (von Willebrand factor; minus strand). Cytogenetic location: 12p13.31.
Variant type: single nucleotide variant.
Coding change: c.3232G>A on transcript NM_000552.5 (MANE Select); coding-DNA position 3232, G replaced by A.
Protein change: p.Glu1078Lys; replaces glutamic acid 1078 with lysine.
Molecular consequence: missense variant.
Genome position (GRCh38, 1-based): chr12:6,023,778, C>T on the plus strand (G>A on the coding strand, the complement: VWF is on the minus strand). VCF-style: chr12-6023778-C-T. GRCh37 (hg19) VCF-style: chr12-6132944-C-T.
Other names: short protein forms E1078K.
Identifiers: ClinVar variation 100250 (VCV000100250.4), dbSNP rs267607316, ClinGen allele CA228384.